The following is an entry in ClinVar:

ClinVar aggregate classification (germline): Likely pathogenic (0 of 4 stars; one submission).

Conditions:
Pseudo-TORCH syndrome 1 (PTORCH1). Identifiers: Orphanet 1229, MedGen C4552078, MONDO:0020789, OMIM 251290.

Submission:

Diagnostics Division, CENTRE FOR DNA FINGERPRINTING AND DIAGNOSTICS
Classification: Likely pathogenic for Pseudo-TORCH syndrome 1. Last evaluated: 2015-09-01. Review status: no assertion criteria provided. Collection method: research. Allele origin: germline. Affected: yes. Observed: 3 variant alleles, 2 heterozygotes, 1 homozygote.
Comment: Frameshift deletion

NM_001205254.2(OCLN):c.252del (p.Ser85fs)

Gene: OCLN (occludin; plus strand). Cytogenetic location: 5q13.2.
Variant type: Deletion.
Coding change: c.252del on transcript NM_001205254.2 (MANE Select); coding-DNA position 252, one base deleted (C; older notation c.252delC).
Protein change: p.Ser85fs; shifts the reading frame from serine 85.
Molecular consequence: frameshift variant. On other transcripts: intron variant (1).
Genome position (GRCh38, 1-based): chr5:69,509,342, C deleted; the last of 2 consecutive C bases (chr5:69,509,341-69,509,342); deleting either gives the same sequence. VCF-style (leftmost placement, unchanged base first): chr5-69509340-GC-G. GRCh37 (hg19) VCF-style: chr5-68805167-GC-G.
Other names: c.252del, p.Ser85fs (NM_001410743.1, NM_001438048.1, NM_001438604.1 and 1 more transcripts); c.-24-4606del (NM_001205255.2); short protein forms S85fs.
Identifiers: ClinVar variation 217516 (VCV000217516.3), dbSNP rs863225128, ClinGen allele CA279404.